The following is an entry in ClinVar:

ClinVar aggregate classification (germline): Pathogenic (1 of 4 stars; one submission).

Submission:

Labcorp Genetics (formerly Invitae), Labcorp
Classification: Pathogenic. Last evaluated: 2021-12-27. Review status: criteria provided, single submitter. Criteria: Invitae Variant Classification Sherloc (09022015). Collection method: clinical testing. Allele origin: germline.
Comment: For these reasons, this variant has been classified as Pathogenic. This variant disrupts the triple helix domain of COL7A1. Glycine residues within the Gly-Xaa-Yaa repeats of the triple helix domain are required for the structure and stability of fibrillar collagens (PMID: 7695699, 8218237, 19344236), and variants at these glycine residues in COL7A1 are more frequently observed in individuals with disease than in the general population (PMID: 22058051). However, the clinical significance of this observation remains uncertain since only a limited number of affected individuals have been described to date. This sequence change replaces glycine, which is neutral and non-polar, with arginine, which is basic and polar, at codon 1566 of the COL7A1 protein (p.Gly1566Arg). This variant is not present in population databases (gnomAD no frequency). This missense change has been observed in individual(s) with autosomal dominant epidermolysis bullosa dystrophica (Invitae). In at least one individual the variant was observed to be de novo. Advanced modeling of protein sequence and biophysical properties (such as structural, functional, and spatial information, amino acid conservation, physicochemical variation, residue mobility, and thermodynamic stability) performed at Invitae indicates that this missense variant is expected to disrupt COL7A1 protein function.

Literature cited by the submitters: PubMed 7695699; PubMed 8218237; PubMed 19344236; PubMed 22058051.

NM_000094.4(COL7A1):c.4696G>A (p.Gly1566Arg)

Gene: COL7A1 (collagen type VII alpha 1 chain; minus strand). Cytogenetic location: 3p21.31.
Variant type: single nucleotide variant.
Coding change: c.4696G>A on transcript NM_000094.4 (MANE Select); coding-DNA position 4696, G replaced by A.
Protein change: p.Gly1566Arg; replaces glycine 1566 with arginine.
Molecular consequence: missense variant.
Genome position (GRCh38, 1-based): chr3:48,581,732, C>T on the plus strand (G>A on the coding strand, the complement: COL7A1 is on the minus strand). VCF-style: chr3-48581732-C-T. GRCh37 (hg19) VCF-style: chr3-48619165-C-T.
Other names: short protein forms G1566R.
Identifiers: ClinVar variation 1365759 (VCV001365759.6), dbSNP rs2107714139, ClinGen allele CA352685724.